The following is an entry in ClinVar:

NM_000603.5(NOS3):c.859G>A (p.Asp287Asn)

Gene: NOS3 (nitric oxide synthase 3; plus strand). Cytogenetic location: 7q36.1.
Variant type: single nucleotide variant.
Coding change: c.859G>A on transcript NM_000603.5 (MANE Select); coding-DNA position 859, G replaced by A.
Protein change: p.Asp287Asn; replaces aspartic acid 287 with asparagine.
Molecular consequence: missense variant.
Genome position (GRCh38, 1-based): chr7:150,998,988, G>A. VCF-style: chr7-150998988-G-A. GRCh37 (hg19) VCF-style: chr7-150696076-G-A.
Other names: c.859G>A, p.Asp287Asn (NM_001160109.2, NM_001160110.1, NM_001160111.1); short protein forms D287N.
Identifiers: ClinVar variation 719652 (VCV000719652.35), dbSNP rs149539813, ClinGen allele CA4566782.

ClinVar aggregate classification (germline): Benign/Likely benign. Review status: criteria provided, multiple submitters, no conflicts (2 of 4 stars). 3 submissions from 3 submitters: Benign (2); Likely benign (1). Last evaluated 2025-07-02.

Conditions:
NOS3-related disorder. Also called: NOS3-related condition.

Allele frequency attached by ClinVar (database versions not stated): 1000 Genomes Project 30x 0.00047; 1000 Genomes Project 0.00060; TOPMed 0.00092; gnomAD exomes 0.00131 and 0.00192; ESP Exome Variant Server 0.00169; gnomAD 0.00184 and 0.00198; ExAC 0.00198.
gnomAD v4.1: 2,158 of 1,612,604 alleles (0.13%); highest among the groups gnomAD compares: Non-Finnish European, 0.12%; 11 homozygotes.

Submissions (3):

PreventionGenetics, part of Exact Sciences
Classification: Likely benign for NOS3-related condition. Last evaluated: 2025-07-02. Review status: criteria provided, single submitter. Criteria: ACMG Guidelines, 2015. Collection method: clinical testing. Allele origin: germline.
Comment: This variant is classified as likely benign based on ACMG/AMP sequence variant interpretation guidelines (Richards et al. 2015 PMID: 25741868, with internal and published modifications).

CeGaT Center for Human Genetics Tuebingen
Classification: Benign. Last evaluated: 2022-07-01. Review status: criteria provided, single submitter. Criteria: CeGaT Center For Human Genetics Tuebingen Variant Classification Criteria Version 2. Collection method: clinical testing. Allele origin: germline. Affected: yes. Observed: 1 variant allele.
Comment: NOS3: BS1, BS2

Labcorp Genetics (formerly Invitae), Labcorp
Classification: Benign. Last evaluated: 2019-12-31. Review status: criteria provided, single submitter. Criteria: Invitae Variant Classification Sherloc (09022015). Collection method: clinical testing. Allele origin: germline.